The following is an entry in ClinVar:

ClinVar aggregate classification (germline): Uncertain significance. Review status: criteria provided, multiple submitters, no conflicts (2 of 4 stars). 5 submissions from 5 submitters: Uncertain significance (5). Last evaluated 2026-01-20.

Conditions:
Autosomal recessive limb-girdle muscular dystrophy type 2Q (LGMDR17). Also called: MUSCULAR DYSTROPHY, LIMB-GIRDLE, AUTOSOMAL RECESSIVE 17. Identifiers: Orphanet 254361, MedGen C3150989, MONDO:0013390, OMIM 613723.
Epidermolysis bullosa simplex 5B, with muscular dystrophy (EBS5B). Also called: EPIDERMOLYSIS BULLOSA SIMPLEX AND LIMB-GIRDLE MUSCULAR DYSTROPHY; Epidermolysis bullosa simplex with muscular dystrophy. Identifiers: Orphanet 257, MedGen C2931072, MONDO:0009181, OMIM 226670.
Epidermolysis bullosa simplex, Ogna type (EBS5A). Also called: EPIDERMOLYSIS BULLOSA SIMPLEX 5A, OGNA TYPE; Pidermolysis bullosa simplex 5A, Ogna type. Identifiers: Orphanet 79401, MedGen C0432317, MONDO:0007555, OMIM 131950.
Epidermolysis bullosa simplex 5C, with pyloric atresia (EBS5C). Also called: PLEC-Related Epidermolysis Bullosa with Pyloric Atresia; Epidermolysis bullosa simplex with pyloric atresia; PLEC1-Related Epidermolysis Bullosa with Pyloric Atresia. Identifiers: Orphanet 158684, MedGen C2677349, MONDO:0012807, OMIM 612138.
Epidermolysis bullosa simplex with nail dystrophy (EBS5D). Identifiers: MedGen C4225309, MONDO:0014661, OMIM 616487.
Inborn genetic diseases. Identifiers: MedGen C0950123, MeSH D030342.

Allele frequency attached by ClinVar (database versions not stated): ExAC 0.00002; gnomAD 0.00003; TOPMed 0.00003; gnomAD exomes 0.00004 and 0.00007.
gnomAD v4.1: 101 of 1,611,790 alleles (0.0063%); highest among the groups gnomAD compares: Non-Finnish European, 0.0083%; no homozygotes.

Submissions (5):

Labcorp Genetics (formerly Invitae), Labcorp
Classification: Uncertain significance for Autosomal recessive limb-girdle muscular dystrophy type 2Q; Epidermolysis bullosa simplex, Ogna type; Epidermolysis bullosa simplex with nail dystrophy; Epidermolysis bullosa simplex 5C, with pyloric atresia; Epidermolysis bullosa simplex 5B, with muscular dystrophy. Last evaluated: 2026-01-20. Review status: criteria provided, single submitter. Criteria: Invitae Variant Classification Sherloc (09022015). Collection method: clinical testing. Allele origin: germline.
Comment: This sequence change replaces phenylalanine, which is neutral and non-polar, with cysteine, which is neutral and slightly polar, at codon 2944 of the PLEC protein (p.Phe2944Cys). This variant is present in population databases (rs782357952, gnomAD 0.01%). This variant has not been reported in the literature in individuals affected with PLEC-related conditions. ClinVar contains an entry for this variant (Variation ID: 196846). An algorithm developed to predict the effect of missense changes on protein structure and function (PolyPhen-2) suggests that this variant is likely to be disruptive. In summary, the available evidence is currently insufficient to determine the role of this variant in disease. Therefore, it has been classified as a Variant of Uncertain Significance.

Ambry Genetics
Classification: Uncertain significance for Inborn genetic diseases. Last evaluated: 2025-04-04. Review status: criteria provided, single submitter. Criteria: Ambry Variant Classification Scheme 2023. Collection method: clinical testing. Allele origin: germline.

Revvity Omics, Revvity
Classification: Uncertain significance. Last evaluated: 2021-04-21. Review status: criteria provided, single submitter. Criteria: ACMG Guidelines, 2015. Collection method: clinical testing. Allele origin: germline.

GeneDx
Classification: Uncertain significance. Last evaluated: 2019-03-21. Review status: criteria provided, single submitter. Criteria: GeneDx Variant Classification Process June 2021. Collection method: clinical testing. Allele origin: germline. Affected: yes.
Comment: In silico analysis, which includes protein predictors and evolutionary conservation, supports a deleterious effect; Missense variant in a gene in which most reported pathogenic variants are truncating/loss-of-function; Has not been previously published as pathogenic or benign to our knowledge

Eurofins Ntd Llc (ga)
Classification: Uncertain significance. Last evaluated: 2014-11-14. Review status: criteria provided, single submitter. Criteria: EGL Classification Definitions 2015. Collection method: clinical testing. Allele origin: germline. Observed: 1 variant allele, 1 heterozygote.

NM_201384.3(PLEC):c.8750T>G (p.Phe2917Cys)

Gene: PLEC (plectin; minus strand). Cytogenetic location: 8q24.3.
Variant type: single nucleotide variant.
Coding change: c.8750T>G on transcript NM_201384.3 (MANE Select); coding-DNA position 8750, T replaced by G.
Protein change: p.Phe2917Cys; replaces phenylalanine 2917 with cysteine.
Molecular consequence: missense variant.
Genome position (GRCh38, 1-based): chr8:143,921,071, A>C on the plus strand (T>G on the coding strand, the complement: PLEC is on the minus strand). VCF-style: chr8-143921071-A-C. GRCh37 (hg19) VCF-style: chr8-144995239-A-C.
Other names: c.8831T>G, p.Phe2944Cys (NM_000445.5); c.8708T>G, p.Phe2903Cys (NM_201378.4); c.8684T>G, p.Phe2895Cys (NM_201379.3); c.9161T>G, p.Phe3054Cys (NM_201380.4); c.8654T>G, p.Phe2885Cys (NM_201381.3); c.8750T>G, p.Phe2917Cys (NM_201382.4); c.8762T>G, p.Phe2921Cys (NM_201383.3); short protein forms F2885C, F2895C, F2903C, F2917C, F2921C, F2944C, F3054C.
Identifiers: ClinVar variation 196846 (VCV000196846.16), dbSNP rs782357952, ClinGen allele CA244514.